The following is an entry in ClinVar:

ClinVar aggregate classification (germline): Likely benign. Review status: criteria provided, multiple submitters, no conflicts (2 of 4 stars). 4 submissions from 4 submitters: Likely benign (3). 1 of the submissions does not count toward it. Last evaluated 2026-01-19.

Conditions:
NEB-related disorder. Also called: NEB-related condition; NEB-Related Disorders.
Nemaline myopathy 2 (NEM2). Also called: Nemaline myopathy 2, autosomal recessive. Identifiers: MedGen C1850569, MONDO:0009725, OMIM 256030.

Allele frequency attached by ClinVar (database versions not stated): gnomAD exomes 0.00011 and 0.00043; gnomAD 0.00012 and 0.00014; TOPMed 0.00023; 1000 Genomes Project 30x 0.00031; 1000 Genomes Project 0.00040; ExAC 0.00054.

Submissions (4):

Labcorp Genetics (formerly Invitae), Labcorp
Classification: Likely benign for Nemaline myopathy 2. Last evaluated: 2026-01-19. Review status: criteria provided, single submitter. Criteria: Invitae Variant Classification Sherloc (09022015). Collection method: clinical testing. Allele origin: germline.

Mayo Clinic Laboratories, Mayo Clinic
Classification: Likely benign. Last evaluated: 2025-02-05. Review status: criteria provided, single submitter. Criteria: ACMG Guidelines, 2015. Collection method: clinical testing. Allele origin: germline. Observed: 1 variant allele.
Comment: BS1, BP4_moderate

Athena Diagnostics
Classification: Likely benign. Last evaluated: 2021-05-05. Review status: criteria provided, single submitter. Criteria: Athena Diagnostics criteria. Collection method: clinical testing. Allele origin: unknown.

PreventionGenetics, part of Exact Sciences
Classification: Likely benign for NEB-related condition. Last evaluated: 2021-03-08. Review status: no assertion criteria provided. Collection method: clinical testing. Allele origin: germline. Not counted in ClinVar's aggregate classification.
Comment: This variant is classified as likely benign based on ACMG/AMP sequence variant interpretation guidelines (Richards et al. 2015 PMID: 25741868, with internal and published modifications).

Literature cited by the submitters: PubMed 37880672 (cited by Mayo Clinic Laboratories, Mayo Clinic).

NM_001164508.2(NEB):c.12316G>A (p.Asp4106Asn)

Gene: NEB (nebulin; minus strand). Cytogenetic location: 2q23.3.
Variant type: single nucleotide variant.
Coding change: c.12316G>A on transcript NM_001164508.2 (MANE Select); coding-DNA position 12316, G replaced by A.
Protein change: p.Asp4106Asn; replaces aspartic acid 4106 with asparagine.
Molecular consequence: missense variant.
Genome position (GRCh38, 1-based): chr2:151,609,823, C>T on the plus strand (G>A on the coding strand, the complement: NEB is on the minus strand). VCF-style: chr2-151609823-C-T. GRCh37 (hg19) VCF-style: chr2-152466337-C-T.
Other names: p.Asp4106Asn; c.12316G>A, p.Asp4106Asn (NM_001164507.2, NM_001271208.2); c.11587G>A, p.Asp3863Asn (NM_004543.5); short protein forms D4106N, D3863N.
Identifiers: ClinVar variation 465445 (VCV000465445.15), dbSNP rs192843524, ClinGen allele CA1908545.